The following is an entry in ClinVar:

ClinVar aggregate classification (germline): Likely pathogenic (1 of 4 stars; one submission).

Conditions:
Marfan syndrome (MFS). Also called: FBN1-Related Marfan Syndrome; MARFAN SYNDROME, TYPE I; Marfan syndrome type 1; Marfan's syndrome; Marfan syndrome, classic. Identifiers: Orphanet 284963, Orphanet 558, MedGen C0024796, MONDO:0007947, OMIM 154700.
Familial thoracic aortic aneurysm and aortic dissection (TAAD). Also called: Thoracic aortic aneurysms and dissections. Identifiers: Orphanet 91387, MedGen C4707243, MONDO:0019625.

Submission:

Labcorp Genetics (formerly Invitae), Labcorp
Classification: Likely pathogenic for Marfan syndrome; Familial thoracic aortic aneurysm and aortic dissection. Last evaluated: 2020-09-17. Review status: criteria provided, single submitter. Criteria: Invitae Variant Classification Sherloc (09022015). Collection method: clinical testing. Allele origin: germline.
Comment: In summary, the currently available evidence indicates that the variant is pathogenic, but additional data are needed to prove that conclusively. Therefore, this variant has been classified as Likely Pathogenic. This variant affects a cysteine residue in the EGF-like, TGFBP or hybrid motif domains of FBN1. Cysteine residues are believed to be involved in intramolecular disulfide bridges and have been shown to be important for FBN1 protein structure (PMID: 16905551, 19349279). In addition, missense substitutions affecting cysteine residues within these domains are significantly overrepresented among patients with Marfan syndrome (PMID: 16571647, 17701892). Advanced modeling of protein sequence and biophysical properties (such as structural, functional, and spatial information, amino acid conservation, physicochemical variation, residue mobility, and thermodynamic stability) performed at Invitae indicates that this missense variant is expected to disrupt FBN1 protein function. This variant has been observed in individual(s) with Marfan syndrome (Invitae). This variant is not present in population databases (ExAC no frequency). This sequence change replaces cysteine with phenylalanine at codon 1562 of the FBN1 protein (p.Cys1562Phe). The cysteine residue is highly conserved and there is a large physicochemical difference between cysteine and phenylalanine.

Literature cited by the submitters: PubMed 16905551; PubMed 19349279; PubMed 16571647; PubMed 17701892.

NM_000138.5(FBN1):c.4685G>T (p.Cys1562Phe)

Gene: FBN1 (fibrillin 1; minus strand). Cytogenetic location: 15q21.1.
Variant type: single nucleotide variant.
Coding change: c.4685G>T on transcript NM_000138.5 (MANE Select); coding-DNA position 4685, G replaced by T.
Protein change: p.Cys1562Phe; replaces cysteine 1562 with phenylalanine.
Molecular consequence: missense variant.
Genome position (GRCh38, 1-based): chr15:48,468,000, C>A on the plus strand (G>T on the coding strand, the complement: FBN1 is on the minus strand). VCF-style: chr15-48468000-C-A. GRCh37 (hg19) VCF-style: chr15-48760197-C-A.
Other names: short protein forms C1562F.
Identifiers: ClinVar variation 1067526 (VCV001067526.9), dbSNP rs2141272349, ClinGen allele CA392352974.